The following is an entry in ClinVar:

ClinVar aggregate classification (germline): Uncertain significance (1 of 4 stars; one submission).

Submission:

Labcorp Genetics (formerly Invitae), Labcorp
Classification: Uncertain significance. Last evaluated: 2025-07-27. Review status: criteria provided, single submitter. Criteria: Invitae Variant Classification Sherloc (09022015). Collection method: clinical testing. Allele origin: germline.
Comment: This sequence change replaces methionine, which is neutral and non-polar, with isoleucine, which is neutral and non-polar, at codon 54 of the MBD4 protein (p.Met54Ile). This variant is not present in population databases (gnomAD no frequency). This variant has not been reported in the literature in individuals affected with MBD4-related conditions. An algorithm developed to predict the effect of missense changes on protein structure and function (PolyPhen-2) suggests that this variant is likely to be tolerated. In summary, the available evidence is currently insufficient to determine the role of this variant in disease. Therefore, it has been classified as a Variant of Uncertain Significance.

NM_001276270.2(MBD4):c.162G>T (p.Met54Ile)

Gene: MBD4 (methyl-CpG binding domain 4, DNA glycosylase; minus strand). Cytogenetic location: 3q21.3.
Variant type: single nucleotide variant.
Coding change: c.162G>T on transcript NM_001276270.2 (MANE Select); coding-DNA position 162, G replaced by T.
Protein change: p.Met54Ile; replaces methionine 54 with isoleucine.
Molecular consequence: missense variant.
Genome position (GRCh38, 1-based): chr3:129,437,893, C>A on the plus strand (G>T on the coding strand, the complement: MBD4 is on the minus strand). VCF-style: chr3-129437893-C-A. GRCh37 (hg19) VCF-style: chr3-129156736-C-A.
Other names: c.162G>T, p.Met54Ile (NM_001276271.2, NM_001276272.2, NM_001276273.2 and 1 more transcripts); short protein forms M54I.
Identifiers: ClinVar variation 4724027 (VCV004724027.1).